The following is an entry in ClinVar:

NM_001378418.1(TCF20):c.936GCA[3] (p.Gln316_Gln317del)

Gene: TCF20 (transcription factor 20; minus strand). Cytogenetic location: 22q13.2.
Variant type: Microsatellite.
Coding change: c.936GCA[3] on transcript NM_001378418.1 (MANE Select); three copies in a row of the 3-base unit GCA starting at c.936; the reference has five copies in a row; two copies, 6 bases deleted; also written c.945_950del.
Protein change: p.Gln316_Gln317del.
Molecular consequence: inframe deletion.
Genome position (GRCh38, 1-based): chr22:42,214,356-42,214,361, TGCTGC deleted on the plus strand (GCAGCA on the coding strand, the reverse complement: TCF20 is on the minus strand); deleting any 6 consecutive bases within chr22:42,214,356-42,214,370 gives the same sequence; the position shown is the placement nearest the transcript's 3' end. VCF-style (leftmost placement, unchanged base first): chr22-42214355-TTGCTGC-T. GRCh37 (hg19) VCF-style: chr22-42610361-TTGCTGC-T.
Other names: c.945_950del (NM_001378418.1); c.936GCA[3], p.Gln316_Gln317del (NM_005650.4, NM_181492.3).
Identifiers: ClinVar variation 3612210 (VCV003612210.4).

ClinVar aggregate classification (germline): Uncertain significance. Review status: criteria provided, multiple submitters, no conflicts (2 of 4 stars). 2 submissions from 2 submitters: Uncertain significance (2). Last evaluated 2025-10-28.

Submissions (2):

Dasa
Classification: Uncertain significance. Last evaluated: 2025-10-28. Review status: criteria provided, single submitter. Criteria: DASA Assertion Criteria. Collection method: clinical testing. Allele origin: germline.
Comment: NM_001378418.1(TCF20):c.945_950del (p.Gln316_Gln317del) is an in-frame deletion predicted to remove amino acids from glutamine at protein position 316 through glutamine at protein position 317 without shifting the reading frame. This variant is rare in population databases. The currently available literature and clinical evidence are not sufficient to establish a definitive association between this variant and the reported condition. Therefore, this variant is classified as a variant of uncertain significance.

Labcorp Genetics (formerly Invitae), Labcorp
Classification: Uncertain significance. Last evaluated: 2024-08-09. Review status: criteria provided, single submitter. Criteria: Invitae Variant Classification Sherloc (09022015). Collection method: clinical testing. Allele origin: germline.
Comment: This variant, c.945_950del, results in the deletion of 2 amino acid(s) of the TCF20 protein (p.Gln316_Gln317del), but otherwise preserves the integrity of the reading frame. This variant is present in population databases (rs767100749, gnomAD 0.007%). This variant has not been reported in the literature in individuals affected with TCF20-related conditions. Experimental studies and prediction algorithms are not available or were not evaluated, and the functional significance of this variant is currently unknown. In summary, the available evidence is currently insufficient to determine the role of this variant in disease. Therefore, it has been classified as a Variant of Uncertain Significance.